The following is an entry in ClinVar:

ClinVar aggregate classification (germline): Uncertain significance. Review status: criteria provided, multiple submitters, no conflicts (2 of 4 stars). 2 submissions from 2 submitters: Uncertain significance (2). Last evaluated 2023-06-02.

Allele frequency attached by ClinVar (database versions not stated): gnomAD exomes below 0.00001; TOPMed below 0.00001; gnomAD 0.00001.
gnomAD v4.1: 9 of 1,613,124 alleles (0.00056%); highest among the groups gnomAD compares: East Asian, 0.0045%; no homozygotes.

Submissions (2):

Blueprint Genetics
Classification: Uncertain significance. Last evaluated: 2023-06-02. Review status: criteria provided, single submitter. Criteria: ACMG Guidelines, 2015. Collection method: clinical testing. Allele origin: germline.

Labcorp Genetics (formerly Invitae), Labcorp
Classification: Uncertain significance. Last evaluated: 2022-10-13. Review status: criteria provided, single submitter. Criteria: Invitae Variant Classification Sherloc (09022015). Collection method: clinical testing. Allele origin: germline.
Comment: This sequence change replaces threonine, which is neutral and polar, with methionine, which is neutral and non-polar, at codon 1367 of the ADGRV1 protein (p.Thr1367Met). This variant is not present in population databases (gnomAD no frequency). This variant has not been reported in the literature in individuals affected with ADGRV1-related conditions. ClinVar contains an entry for this variant (Variation ID: 1431239). Advanced modeling of protein sequence and biophysical properties (such as structural, functional, and spatial information, amino acid conservation, physicochemical variation, residue mobility, and thermodynamic stability) performed at Invitae indicates that this missense variant is not expected to disrupt ADGRV1 protein function. In summary, the available evidence is currently insufficient to determine the role of this variant in disease. Therefore, it has been classified as a Variant of Uncertain Significance.

NM_032119.4(ADGRV1):c.4100C>T (p.Thr1367Met)

Gene: ADGRV1 (adhesion G protein-coupled receptor V1; plus strand). Cytogenetic location: 5q14.3.
Variant type: single nucleotide variant.
Coding change: c.4100C>T on transcript NM_032119.4 (MANE Select); coding-DNA position 4100, C replaced by T.
Protein change: p.Thr1367Met; replaces threonine 1367 with methionine.
Molecular consequence: missense variant. On other transcripts: non-coding transcript variant (1).
Genome position (GRCh38, 1-based): chr5:90,653,674, C>T. VCF-style: chr5-90653674-C-T. GRCh37 (hg19) VCF-style: chr5-89949491-C-T.
Other names: short protein forms T1367M.
Identifiers: ClinVar variation 1431239 (VCV001431239.4), dbSNP rs1271079102, ClinGen allele CA360401372.
Genomic context (GRCh38, chr5:90,653,674, plus strand): 5'-CCAGGAATAATACAATTGCCAACTTTACATTCTCAGCTTGGGTAATGCCCAATGCCAATA[C>T]GAATGGATTCATTATAGCGAAGGATGACGGTAATGGAAGCATCTACTACGGGGTAAAAAT-3'
Protein context (NP_115495.3, residues 1357-1377): FSAWVMPNAN[Thr1367Met]NGFIIAKDDG